The following is an entry in ClinVar:

NM_003246.4(THBS1):c.1980C>T (p.Asn660=)

Gene: THBS1 (thrombospondin 1; plus strand). Cytogenetic location: 15q14.
Variant type: single nucleotide variant.
Coding change: c.1980C>T on transcript NM_003246.4 (MANE Select); coding-DNA position 1980, C replaced by T.
Protein change: p.Asn660=; no amino-acid change (asparagine 660 retained).
Molecular consequence: synonymous variant.
Genome position (GRCh38, 1-based): chr15:39,589,858, C>T. VCF-style: chr15-39589858-C-T. GRCh37 (hg19) VCF-style: chr15-39882059-C-T.
Identifiers: ClinVar variation 3043295 (VCV003043295.2), dbSNP rs148609363, ClinGen allele CA7472118.

ClinVar aggregate classification (germline): Likely benign (0 of 4 stars; one submission).

Conditions:
THBS1-related disorder. Also called: THBS1-related condition.

Allele frequency attached by ClinVar (database versions not stated): ExAC 0.00003; ESP Exome Variant Server 0.00008; gnomAD 0.00008; gnomAD exomes 0.00008; TOPMed 0.00008.
gnomAD v4.1: 134 of 1,614,044 alleles (0.0083%); highest among the groups gnomAD compares: African/African-American, 0.048%; 1 homozygote.

Submission:

PreventionGenetics, part of Exact Sciences
Classification: Likely benign for THBS1-related condition. Last evaluated: 2019-07-01. Review status: no assertion criteria provided. Collection method: clinical testing. Allele origin: germline.
Comment: This variant is classified as likely benign based on ACMG/AMP sequence variant interpretation guidelines (Richards et al. 2015 PMID: 25741868, with internal and published modifications).